The following is an entry in ClinVar:

ClinVar aggregate classification (germline): Pathogenic (1 of 4 stars; one submission).

Submission:

GeneDx
Classification: Pathogenic. Last evaluated: 2026-04-12. Review status: criteria provided, single submitter. Criteria: GeneDx Variant Classification Process June 2021. Collection method: clinical testing. Allele origin: germline.
Comment: Canonical splice site variant predicted to result in a null allele in a gene for which loss of function is a known mechanism of disease; Not observed at significant frequency in large population cohorts (gnomAD); Has not been previously published as pathogenic or benign to our knowledge

NM_001375380.1(EBF3):c.1372+1G>A

Gene: EBF3 (EBF transcription factor 3; minus strand). Cytogenetic location: 10q26.3.
Variant type: single nucleotide variant.
Coding change: c.1372+1G>A on transcript NM_001375380.1 (MANE Select); the canonical splice donor site of the intron after coding-DNA position 1372, G replaced by A.
Molecular consequence: splice donor variant.
Genome position (GRCh38, 1-based): chr10:129,842,115, C>T on the plus strand (G>A on the coding strand, the complement: EBF3 is on the minus strand). VCF-style: chr10-129842115-C-T. GRCh37 (hg19) VCF-style: chr10-131640379-C-T.
Other names: c.1345+1G>A (NM_001375392.1, NM_001005463.3, NM_001375390.1); c.1372+1G>A (NM_001375391.1, NM_001375389.1, NM_001375379.1).
Identifiers: ClinVar variation 4755757 (VCV004755757.2).